The following is an entry in ClinVar:

ClinVar aggregate classification (germline): Benign/Likely benign. Review status: criteria provided, multiple submitters, no conflicts (2 of 4 stars). 6 submissions from 6 submitters: Benign (4); Likely benign (2). Last evaluated 2026-01-28.

Conditions:
Congenital myotonia, autosomal dominant form (THD). Also called: Myotonia congenita autosomal dominant; THOMSEN DISEASE. Identifiers: Orphanet 614, MedGen C2936781, MONDO:0008055, OMIM 160800.
Congenital myotonia, autosomal recessive form. Also called: myotonia congenita, autosomal recessive; BECKER DISEASE; Becker Generalized Myotonia. Identifiers: Orphanet 614, MedGen C0751360, MONDO:0009715, OMIM 255700.
Batten-Turner congenital myopathy. Also called: Congenital myotonia; Myotonia congenita. Identifiers: Orphanet 206973, MedGen C0027127, MONDO:0100468, OMIM 255300.

Allele frequency attached by ClinVar (database versions not stated): gnomAD 0.00060 and 0.00080; gnomAD exomes 0.00060 and 0.00158; TOPMed 0.00107; ExAC 0.00154; 1000 Genomes Project 30x 0.00344; 1000 Genomes Project 0.00379.
gnomAD v4.1: 996 of 1,613,278 alleles (0.062%); highest among the groups gnomAD compares: East Asian, 2.1%; 13 homozygotes.

Submissions (6):

Labcorp Genetics (formerly Invitae), Labcorp
Classification: Benign for Congenital myotonia, autosomal recessive form; Congenital myotonia, autosomal dominant form. Last evaluated: 2026-01-28. Review status: criteria provided, single submitter. Criteria: Invitae Variant Classification Sherloc (09022015). Collection method: clinical testing. Allele origin: germline.

CeGaT Center for Human Genetics Tuebingen
Classification: Benign. Last evaluated: 2025-07-01. Review status: criteria provided, single submitter. Criteria: CeGaT Center For Human Genetics Tuebingen Variant Classification Criteria Version 2. Collection method: clinical testing. Allele origin: germline. Affected: yes. Observed: 2 variant alleles.
Comment: CLCN1: BP4, BS1, BS2

Blueprint Genetics
Classification: Likely benign. Last evaluated: 2024-11-05. Review status: criteria provided, single submitter. Criteria: ACMG Guidelines, 2015. Collection method: clinical testing. Allele origin: germline.

GeneDx
Classification: Likely benign. Last evaluated: 2021-11-19. Review status: criteria provided, single submitter. Criteria: GeneDx Variant Classification Process June 2021. Collection method: clinical testing. Allele origin: germline. Affected: yes.
Comment: See Variant Classification Assertion Criteria.

Athena Diagnostics
Classification: Benign. Last evaluated: 2018-08-15. Review status: criteria provided, single submitter. Criteria: Athena Diagnostics Criteria. Collection method: clinical testing. Allele origin: germline.

Illumina Laboratory Services, Illumina
Classification: Benign for Myotonia congenita. Last evaluated: 2018-01-13. Review status: criteria provided, single submitter. Criteria: ICSL Variant Classification Criteria 13 December 2019. Collection method: clinical testing. Allele origin: germline.
Comment: This variant was observed in the ICSL laboratory as part of a predisposition screen in an ostensibly healthy population. It had not been previously curated by ICSL or reported in the Human Gene Mutation Database (HGMD: prior to June 1st, 2018), and was therefore a candidate for classification through an automated scoring system. Utilizing variant allele frequency, disease prevalence and penetrance estimates, and inheritance mode, an automated score was calculated to assess if this variant is too frequent to cause the disease. Based on the score and internal cut-off values, a variant classified as benign is not then subjected to further curation. The score for this variant resulted in a classification of benign for this disease.

Literature cited by the submitters: PubMed 15311340 (cited by Athena Diagnostics).

NM_000083.3(CLCN1):c.2207C>T (p.Thr736Ile)

Gene: CLCN1 (chloride voltage-gated channel 1; plus strand). Cytogenetic location: 7q34.
Variant type: single nucleotide variant.
Coding change: c.2207C>T on transcript NM_000083.3 (MANE Select); coding-DNA position 2207, C replaced by T.
Protein change: p.Thr736Ile; replaces threonine 736 with isoleucine.
Molecular consequence: missense variant. On other transcripts: non-coding transcript variant (1).
Genome position (GRCh38, 1-based): chr7:143,346,174, C>T. VCF-style: chr7-143346174-C-T. GRCh37 (hg19) VCF-style: chr7-143043267-C-T.
Other names: short protein forms T736I.
Identifiers: ClinVar variation 359120 (VCV000359120.50), dbSNP rs139757692, ClinGen allele CA4537591.